The following is an entry in ClinVar:

ClinVar aggregate classification (germline): Benign/Likely benign. Review status: criteria provided, multiple submitters, no conflicts (2 of 4 stars). 7 submissions from 7 submitters: Benign (4); Likely benign (3). Last evaluated 2026-02-02.

Conditions:
Cardiovascular phenotype. Identifiers: MedGen CN230736.
Alstrom syndrome (ALMS). Identifiers: Orphanet 64, MedGen C0268425, MONDO:0008763, OMIM 203800.

Allele frequency attached by ClinVar (database versions not stated): gnomAD 0.00001 and 0.00045; TOPMed 0.00012; gnomAD exomes 0.00091 and 0.00192; ExAC 0.00227; 1000 Genomes Project 30x 0.00281; 1000 Genomes Project 0.00339.
gnomAD v4.1: 1,410 of 1,614,130 alleles (0.087%); highest among the groups gnomAD compares: South Asian, 1.5%; 14 homozygotes.

Submissions (7):

Labcorp Genetics (formerly Invitae), Labcorp
Classification: Benign for Alstrom syndrome. Last evaluated: 2026-02-02. Review status: criteria provided, single submitter. Criteria: Invitae Variant Classification Sherloc (09022015). Collection method: clinical testing. Allele origin: germline.

Blueprint Genetics
Classification: Likely benign. Last evaluated: 2024-11-19. Review status: criteria provided, single submitter. Criteria: ACMG Guidelines, 2015. Collection method: clinical testing. Allele origin: germline.

Fulgent Genetics
Classification: Likely benign for Alstrom syndrome. Last evaluated: 2022-04-15. Review status: criteria provided, single submitter. Criteria: ACMG Guidelines, 2015. Collection method: clinical testing. Allele origin: unknown.

Women's Health and Genetics/Laboratory Corporation of America, LabCorp
Classification: Benign. Last evaluated: 2022-02-18. Review status: criteria provided, single submitter. Criteria: LabCorp Variant Classification Summary - May 2015. Collection method: clinical testing. Allele origin: germline.
Comment: Variant summary: ALMS1 c.5242A>G/p.Thr1748Ala (also known as c.5248A>G in RefSeq) results in a non-conservative amino acid change in the encoded protein sequence. Three of five in-silico tools predict a damaging effect of the variant on protein function. The variant allele was found at a frequency of 0.0019 in 249000 control chromosomes, predominantly at a frequency of 0.015 within the South Asian subpopulation in the gnomAD database, including 4 homozygotes. The observed variant frequency within South Asian control individuals in the gnomAD database is approximately 6.71 fold of the estimated maximal expected allele frequency for a pathogenic variant in ALMS1 causing Cardiomyopathy phenotype (0.0022), strongly suggesting that the variant is a benign polymorphism found primarily in populations of South Asian origin. Three clinical diagnostic laboratories have submitted clinical-significance assessments for this variant to ClinVar after 2014 without evidence for independent evaluation. All laboratories classified the variant as benign/likely benign. Based on the evidence outlined above, the variant was classified as benign.

Ambry Genetics
Classification: Benign for Cardiovascular phenotype. Last evaluated: 2019-08-06. Review status: criteria provided, single submitter. Criteria: Ambry Variant Classification Scheme 2023. Collection method: clinical testing. Allele origin: germline.

GeneDx
Classification: Benign. Last evaluated: 2019-07-03. Review status: criteria provided, single submitter. Criteria: GeneDx Variant Classification Process June 2021. Collection method: clinical testing. Allele origin: germline. Affected: yes.
Comment: This variant is associated with the following publications: (PMID: 26352687)

Genetic Services Laboratory, University of Chicago
Classification: Likely benign. Last evaluated: 2015-05-27. Review status: criteria provided, single submitter. Criteria: ACMG Guidelines, 2015. Collection method: clinical testing. Allele origin: germline.

NM_001378454.1(ALMS1):c.5245A>G (p.Thr1749Ala)

Gene: ALMS1 (ALMS1 centrosome and basal body associated protein; plus strand). Cytogenetic location: 2p13.1.
Variant type: single nucleotide variant.
Coding change: c.5245A>G on transcript NM_001378454.1 (MANE Select); coding-DNA position 5245, A replaced by G.
Protein change: p.Thr1749Ala; replaces threonine 1749 with alanine.
Molecular consequence: missense variant.
Genome position (GRCh38, 1-based): chr2:73,451,772, A>G. VCF-style: chr2-73451772-A-G. GRCh37 (hg19) VCF-style: chr2-73678899-A-G.
Other names: c.5248A>G, p.Thr1750Ala (NM_015120.4); short protein forms T1750A, T1749A.
Identifiers: ClinVar variation 210128 (VCV000210128.23), dbSNP rs546111188, ClinGen allele CA206177.